The following is an entry in ClinVar:

ClinVar aggregate classification (germline): Uncertain significance (1 of 4 stars; one submission).

gnomAD v4.1: 3 of 1,614,150 alleles (0.00019%); highest among the groups gnomAD compares: Admixed American, 0.0017%; no homozygotes.

Submission:

GeneDx
Classification: Uncertain significance. Last evaluated: 2025-07-15. Review status: criteria provided, single submitter. Criteria: GeneDx Variant Classification Process June 2021. Collection method: clinical testing. Allele origin: germline. Affected: yes.
Comment: In silico analysis supports that this missense variant has a deleterious effect on protein structure/function; Has not been previously published as pathogenic or benign to our knowledge; This variant is associated with the following publications: (PMID: 25512093, 25609763, 26100331)

NM_001376.5(DYNC1H1):c.11389G>A (p.Val3797Met)

Gene: DYNC1H1 (dynein cytoplasmic 1 heavy chain 1; plus strand). Cytogenetic location: 14q32.31.
Variant type: single nucleotide variant.
Coding change: c.11389G>A on transcript NM_001376.5 (MANE Select); coding-DNA position 11389, G replaced by A.
Protein change: p.Val3797Met; replaces valine 3797 with methionine.
Molecular consequence: missense variant.
Genome position (GRCh38, 1-based): chr14:102,039,183, G>A. VCF-style: chr14-102039183-G-A. GRCh37 (hg19) VCF-style: chr14-102505520-G-A.
Other names: short protein forms V3797M.
Identifiers: ClinVar variation 4686116 (VCV004686116.1).
Genomic context (GRCh38, chr14:102,039,183, plus strand): 5'-GCTGCAGAGGTCACCAGGAAAGTTGAGGAGACGGACATTGTCATGCAGGAGGTGGAGACC[G>A]TGTCCCAGCAGTACCTCCCGCTCTCCACCGCCTGCAGCAGCATCTACTTCACCATGGAGT-3'
Protein context (NP_001367.2, residues 3787-3807): TDIVMQEVET[Val3797Met]SQQYLPLSTA